The following is an entry in ClinVar:

NM_001130144.3(LTBP3):c.1970C>T (p.Ser657Leu)

Genes: LTBP3 (latent transforming growth factor beta binding protein 3; minus strand), LOC130006032 (ATAC-STARR-seq lymphoblastoid silent region 3535; plus strand). Cytogenetic location: 11q13.1.
Variant type: single nucleotide variant.
Coding change: c.1970C>T on transcript NM_001130144.3 (MANE Select); coding-DNA position 1970, C replaced by T.
Protein change: p.Ser657Leu; replaces serine 657 with leucine.
Molecular consequence: missense variant.
Genome position (GRCh38, 1-based): chr11:65,547,698, G>A on the plus strand (C>T on the coding strand, the complement: LTBP3 is on the minus strand). VCF-style: chr11-65547698-G-A. GRCh37 (hg19) VCF-style: chr11-65315169-G-A.
Other names: c.1619C>T, p.Ser540Leu (NM_001164266.1); c.1970C>T, p.Ser657Leu (NM_021070.4); short protein forms S540L, S657L.
Identifiers: ClinVar variation 1783613 (VCV001783613.2), dbSNP rs2496154184, ClinGen allele CA381271251.

ClinVar aggregate classification (germline): Uncertain significance (1 of 4 stars; one submission).

Conditions:
Inborn genetic diseases. Identifiers: MedGen C0950123, MeSH D030342.

Submission:

Ambry Genetics
Classification: Uncertain significance for Inborn genetic diseases. Last evaluated: 2021-10-29. Review status: criteria provided, single submitter. Criteria: Ambry Variant Classification Scheme 2023. Collection method: clinical testing. Allele origin: germline.
Comment: The p.S657L variant (also known as c.1970C>T), located in coding exon 13 of the LTBP3 gene, results from a C to T substitution at nucleotide position 1970. The serine at codon 657 is replaced by leucine, an amino acid with dissimilar properties. This amino acid position is conserved. In addition, the in silico prediction for this alteration is inconclusive. Since supporting evidence is limited at this time, the clinical significance of this alteration remains unclear.